The following is an entry in ClinVar:

ClinVar aggregate classification (germline): Pathogenic (1 of 4 stars; one submission).

Conditions:
Familial adenomatous polyposis 2. Also called: Adenomas, multiple colorectal; COLORECTAL ADENOMATOUS POLYPOSIS, AUTOSOMAL RECESSIVE; ADENOMAS, MULTIPLE COLORECTAL, AUTOSOMAL RECESSIVE; FAP type 2; MUTYH Polyposis; MYH-associated polyposis. Identifiers: Orphanet 220460, Orphanet 247798, MedGen C3272841, MONDO:0012041, OMIM 608456.

Submission:

Labcorp Genetics (formerly Invitae), Labcorp
Classification: Pathogenic for Familial adenomatous polyposis 2. Last evaluated: 2023-09-10. Review status: criteria provided, single submitter. Criteria: Invitae Variant Classification Sherloc (09022015). Collection method: clinical testing. Allele origin: unknown.
Comment: This variant is a gross deletion of the genomic region encompassing exon(s) 2-16 of the MUTYH gene, which includes the termination codon. This deletion extends beyond the assayed region for this gene and therefore may encompass additional genes. While this deletion is not anticipated to lead to nonsense mediated decay, it is expected to alter mRNA translation or result in a truncated protein product. This variant has not been reported in the literature in individuals affected with MUTYH-related conditions. This variant disrupts a region of the MUTYH protein in which other variant(s) (p.Gly396Asp) have been determined to be pathogenic (PMID: 11818965, 15987719, 16557584, 17489848, 18534194, 19793053, 20848659, 23035301, 23108399). This suggests that this is a clinically significant region of the protein, and that variants that disrupt it are likely to be disease-causing. For these reasons, this variant has been classified as Pathogenic.

Literature cited by the submitters: PubMed 11818965; PubMed 15987719; PubMed 16557584; PubMed 17489848; PubMed 18534194; PubMed 19793053; PubMed 20848659; PubMed 23035301; PubMed 23108399.

NC_000001.10:g.(?_45794978)_(45800193_?)del

Gene: MUTYH (mutY DNA glycosylase; minus strand). Cytogenetic location: 1p34.1.
Variant type: Deletion.
Identifiers: ClinVar variation 3247742 (VCV003247742.1).